The following is an entry in ClinVar:

ClinVar aggregate classification (germline): Uncertain significance (1 of 4 stars; one submission).

Submission:

Labcorp Genetics (formerly Invitae), Labcorp
Classification: Uncertain significance. Last evaluated: 2026-01-24. Review status: criteria provided, single submitter. Criteria: Invitae Variant Classification Sherloc (09022015). Collection method: clinical testing. Allele origin: germline.
Comment: This sequence change replaces arginine, which is basic and polar, with glycine, which is neutral and non-polar, at codon 506 of the MYSM1 protein (p.Arg506Gly). This variant is not present in population databases (gnomAD no frequency). This variant has not been reported in the literature in individuals affected with MYSM1-related conditions. Invitae Evidence Modeling of protein sequence and biophysical properties (such as structural, functional, and spatial information, amino acid conservation, physicochemical variation, residue mobility, and thermodynamic stability) indicates that this missense variant is expected to disrupt MYSM1 protein function with a positive predictive value of 80%. In summary, the available evidence is currently insufficient to determine the role of this variant in disease. Therefore, it has been classified as a Variant of Uncertain Significance.

NM_001085487.3(MYSM1):c.1516C>G (p.Arg506Gly)

Gene: MYSM1 (Myb like, SWIRM and MPN domains 1; minus strand). Cytogenetic location: 1p32.1.
Variant type: single nucleotide variant.
Coding change: c.1516C>G on transcript NM_001085487.3 (MANE Select); coding-DNA position 1516, C replaced by G.
Protein change: p.Arg506Gly; replaces arginine 506 with glycine.
Molecular consequence: missense variant.
Genome position (GRCh38, 1-based): chr1:58,673,629, G>C on the plus strand (C>G on the coding strand, the complement: MYSM1 is on the minus strand). VCF-style: chr1-58673629-G-C. GRCh37 (hg19) VCF-style: chr1-59139301-G-C.
Other names: short protein forms R506G.
Identifiers: ClinVar variation 4744681 (VCV004744681.1).